The following is an entry in ClinVar:

ClinVar aggregate classification (germline): Benign (1 of 4 stars; one submission).

Allele frequency attached by ClinVar (database versions not stated): gnomAD 0.01772 and 0.01910; TOPMed 0.01860; 1000 Genomes Project 0.01937; 1000 Genomes Project 30x 0.02061.
gnomAD v4.1: 2,636 of 150,544 alleles (1.8%); highest among the groups gnomAD compares: African/African-American, 6.1%; 82 homozygotes.

Submission:

GeneDx
Classification: Benign. Last evaluated: 2018-06-14. Review status: criteria provided, single submitter. Criteria: GeneDx Variant Classification (06012015). Collection method: clinical testing. Allele origin: germline. Affected: yes.
Comment: This variant is considered likely benign or benign based on one or more of the following criteria: it is a conservative change, it occurs at a poorly conserved position in the protein, it is predicted to be benign by multiple in silico algorithms, and/or has population frequency not consistent with disease.

NM_014795.4(ZEB2):c.73+179G>T

Gene: ZEB2 (zinc finger E-box binding homeobox 2; minus strand). Cytogenetic location: 2q22.3.
Variant type: single nucleotide variant.
Coding change: c.73+179G>T on transcript NM_014795.4 (MANE Select); 179 bases into the intron after coding-DNA position 73, G replaced by T.
Molecular consequence: intron variant.
Genome position (GRCh38, 1-based): chr2:144,517,099, C>A on the plus strand (G>T on the coding strand, the complement: ZEB2 is on the minus strand). VCF-style: chr2-144517099-C-A. GRCh37 (hg19) VCF-style: chr2-145274666-C-A.
Other names: c.73+179G>T (NM_001171653.2).
Identifiers: ClinVar variation 670338 (VCV000670338.1), dbSNP rs13420197, ClinGen allele CA57809901.